The following is an entry in ClinVar:

NM_000535.7(PMS2):c.342T>C (p.Leu114=)

Gene: PMS2 (PMS1 homolog 2, mismatch repair system component; minus strand). Cytogenetic location: 7p22.1.
Variant type: single nucleotide variant.
Coding change: c.342T>C on transcript NM_000535.7 (MANE Select); coding-DNA position 342, T replaced by C.
Protein change: p.Leu114=; no amino-acid change (leucine 114 retained).
Molecular consequence: synonymous variant. On other transcripts: 5 prime UTR variant (9), non-coding transcript variant (1), intron variant (2).
Genome position (GRCh38, 1-based): chr7:6,003,701, A>G on the plus strand (T>C on the coding strand, the complement: PMS2 is on the minus strand). VCF-style: chr7-6003701-A-G. GRCh37 (hg19) VCF-style: chr7-6043332-A-G.
Other names: c.-64T>C (NM_001322003.2, NM_001322004.2, NM_001322005.2 and 3 more transcripts); c.342T>C, p.Leu114= (NM_001322006.2, NM_001322014.2); c.-543T>C (NM_001322011.2, NM_001322012.2); c.-143T>C (NM_001322015.2); c.35+271T>C (NM_001322008.2, NM_001322007.2).
Identifiers: ClinVar variation 480332 (VCV000480332.25), dbSNP rs1205203356, ClinGen allele CA453647881.

ClinVar aggregate classification (germline): Benign/Likely benign. Review status: criteria provided, multiple submitters, no conflicts (2 of 4 stars). 5 submissions from 5 submitters: Benign (1); Likely benign (4). Last evaluated 2025-08-01.

Conditions:
Hereditary nonpolyposis colorectal neoplasms. Identifiers: MedGen C0009405, MeSH D003123.
Lynch syndrome 4 (LYNCH4). Also called: Hereditary non-polyposis colorectal cancer, type 4; Colorectal cancer, hereditary nonpolyposis, type 4. Identifiers: Orphanet 144, MedGen C1838333, MONDO:0013699, OMIM 614337. Disease mechanism: loss of function.
Hereditary cancer-predisposing syndrome. Also called: Hereditary neoplastic syndrome; Tumor predisposition; Neoplastic Syndromes, Hereditary; Hereditary Cancer Syndrome. Identifiers: Orphanet 140162, MedGen C0027672, MeSH D009386, MONDO:0015356.

Allele frequency attached by ClinVar (database versions not stated): TOPMed below 0.00001; gnomAD 0.00001; gnomAD exomes 0.00001.
gnomAD v4.1: 9 of 1,582,068 alleles (0.00057%); highest among the groups gnomAD compares: Non-Finnish European, 0.00077%; no homozygotes.

Submissions (5):

CeGaT Center for Human Genetics Tuebingen
Classification: Likely benign. Last evaluated: 2025-08-01. Review status: criteria provided, single submitter. Criteria: CeGaT Center For Human Genetics Tuebingen Variant Classification Criteria Version 2. Collection method: clinical testing. Allele origin: germline. Affected: yes. Observed: 1 variant allele.
Comment: PMS2: BP4, BP7

Labcorp Genetics (formerly Invitae), Labcorp
Classification: Likely benign for Hereditary nonpolyposis colorectal neoplasms. Last evaluated: 2025-06-08. Review status: criteria provided, single submitter. Criteria: Invitae Variant Classification Sherloc (09022015). Collection method: clinical testing. Allele origin: germline.

Myriad Genetics, Inc.
Classification: Benign for Lynch syndrome 4. Last evaluated: 2025-01-24. Review status: criteria provided, single submitter. Criteria: Myriad Autosomal Dominant, Autosomal Recessive and X-Linked Classification Criteria (2023). Collection method: clinical testing. Allele origin: unknown.
Comment: This variant is considered benign. This variant is a silent/synonymous amino acid change and it is not expected to impact splicing.

Color Diagnostics, LLC DBA Color Health
Classification: Likely benign for Hereditary cancer-predisposing syndrome. Last evaluated: 2018-05-10. Review status: criteria provided, single submitter. Criteria: ACMG Guidelines, 2015. Collection method: clinical testing. Allele origin: germline.

Ambry Genetics
Classification: Likely benign for Hereditary cancer-predisposing syndrome. Last evaluated: 2016-06-03. Review status: criteria provided, single submitter. Criteria: Ambry Variant Classification Scheme 2023. Collection method: clinical testing. Allele origin: germline.